The following is an entry in ClinVar:

NM_001353345.2(SETD1B):c.2478C>T (p.Ser826=)

Gene: SETD1B (SET domain containing 1B, histone lysine methyltransferase; plus strand). Cytogenetic location: 12q24.31.
Variant type: single nucleotide variant.
Coding change: c.2478C>T on transcript NM_001353345.2 (MANE Select); coding-DNA position 2478, C replaced by T.
Protein change: p.Ser826=; no amino-acid change (serine 826 retained).
Molecular consequence: synonymous variant.
Genome position (GRCh38, 1-based): chr12:121,814,693, C>T. VCF-style: chr12-121814693-C-T. GRCh37 (hg19) VCF-style: chr12-122252599-C-T.
Other names: NM_015048.1:c.2478C>T.
Identifiers: ClinVar variation 3050441 (VCV003050441.2), dbSNP rs78876751, ClinGen allele CA6838952.

ClinVar aggregate classification (germline): Benign (0 of 4 stars; one submission).

Conditions:
SETD1B-related disorder. Also called: SETD1B-related condition.

Allele frequency attached by ClinVar (database versions not stated): ExAC 0.00267; gnomAD 0.00569; ESP Exome Variant Server 0.00591; TOPMed 0.00637; 1000 Genomes Project 0.00659; 1000 Genomes Project 30x 0.00765.
gnomAD v4.1: 1,629 of 1,550,458 alleles (0.11%); highest among the groups gnomAD compares: African/African-American, 2%; 16 homozygotes.

Submission:

PreventionGenetics, part of Exact Sciences
Classification: Benign for SETD1B-related condition. Last evaluated: 2019-08-28. Review status: no assertion criteria provided. Collection method: clinical testing. Allele origin: germline.
Comment: This variant is classified as benign based on ACMG/AMP sequence variant interpretation guidelines (Richards et al. 2015 PMID: 25741868, with internal and published modifications).